The following is an entry in ClinVar:

NM_001267550.2(TTN):c.13358AAG[1] (p.Glu4454del)

Gene: TTN (titin; minus strand). Cytogenetic location: 2q31.2.
Variant type: Microsatellite.
Coding change: c.13358AAG[1] on transcript NM_001267550.2 (MANE Select); one copy of the 3-base unit AAG starting at c.13358; the reference has two copies in a row; one copy, 3 bases deleted.
Protein change: p.Glu4454del; deletes glutamic acid 4454.
Molecular consequence: inframe deletion. On other transcripts: intron variant (1).
Genome position (GRCh38, 1-based): chr2:178,739,870-178,739,872, CTT deleted on the plus strand (AAG on the coding strand, the reverse complement: TTN is on the minus strand); deleting any 3 consecutive bases within chr2:178,739,870-178,739,877 gives the same sequence; the position shown is the placement nearest the transcript's 3' end. VCF-style (leftmost placement, unchanged base first): chr2-178739869-ACTT-A. GRCh37 (hg19) VCF-style: chr2-179604596-ACTT-A.
Other names: c.12407AAG[1], p.Glu4137del (NM_001256850.1); c.12269AAG[1], p.Glu4091del (NM_003319.4); c.12644AAG[1], p.Glu4216del (NM_133432.3); c.12845AAG[1], p.Glu4283del (NM_133437.4); c.10361-1512_10361-1510del (NM_133378.4); short protein forms E4091del, E4137del, E4216del, E4283del, E4454del.
Identifiers: ClinVar variation 1702699 (VCV001702699.2), dbSNP rs2082181880, ClinGen allele CA430295598.

ClinVar aggregate classification (germline): Uncertain significance (1 of 4 stars; one submission).

Submission:

GeneDx
Classification: Uncertain significance. Last evaluated: 2022-02-14. Review status: criteria provided, single submitter. Criteria: GeneDx Variant Classification Process June 2021. Collection method: clinical testing. Allele origin: germline. Affected: yes.
Comment: Not observed at significant frequency in large population cohorts (gnomAD); Has not been previously published as pathogenic or benign to our knowledge; In frame deletion of one amino acid located in the I-band region of the TTN gene